The following is an entry in ClinVar:

ClinVar aggregate classification (germline): Uncertain significance (1 of 4 stars; one submission).

Conditions:
Nemaline myopathy 9 (NEM9). Identifiers: MedGen C3810384, MONDO:0014326, OMIM 615731.

gnomAD v4.1: 2 of 1,614,156 alleles (0.00012%); highest among the groups gnomAD compares: Non-Finnish European, 0.000085%; no homozygotes.

Submission:

Labcorp Genetics (formerly Invitae), Labcorp
Classification: Uncertain significance for Nemaline myopathy 9. Last evaluated: 2022-01-19. Review status: criteria provided, single submitter. Criteria: Invitae Variant Classification Sherloc (09022015). Collection method: clinical testing. Allele origin: germline.
Comment: This variant has not been reported in the literature in individuals affected with KLHL41-related conditions. In summary, the available evidence is currently insufficient to determine the role of this variant in disease. Therefore, it has been classified as a Variant of Uncertain Significance. Algorithms developed to predict the effect of missense changes on protein structure and function output the following: SIFT: "Deleterious"; PolyPhen-2: "Probably Damaging"; Align-GVGD: "Class C65". The serine amino acid residue is found in multiple mammalian species, which suggests that this missense change does not adversely affect protein function. This variant is not present in population databases (gnomAD no frequency). This sequence change replaces proline, which is neutral and non-polar, with serine, which is neutral and polar, at codon 81 of the KLHL41 protein (p.Pro81Ser).

NM_006063.3(KLHL41):c.241C>T (p.Pro81Ser)

Gene: KLHL41 (kelch like family member 41; plus strand). Cytogenetic location: 2q31.1.
Variant type: single nucleotide variant.
Coding change: c.241C>T on transcript NM_006063.3 (MANE Select); coding-DNA position 241, C replaced by T.
Protein change: p.Pro81Ser; replaces proline 81 with serine.
Molecular consequence: missense variant.
Genome position (GRCh38, 1-based): chr2:169,510,019, C>T. VCF-style: chr2-169510019-C-T. GRCh37 (hg19) VCF-style: chr2-170366529-C-T.
Other names: short protein forms P81S.
Identifiers: ClinVar variation 1978517 (VCV001978517.4), dbSNP rs2468054953, ClinGen allele CA349173742.